The following is an entry in ClinVar:

ClinVar aggregate classification (germline): Pathogenic (1 of 4 stars; one submission).

Conditions:
Severe combined immunodeficiency disease. Also called: Severe combined immunodeficiency; Severe Combined Immune Deficiency. Identifiers: Orphanet 183660, MedGen C0085110, MeSH D016511, MONDO:0015974, HP:0004430. Inheritance: X-Linked or Autosomal recessive.

gnomAD v4.1: 1 of 1,613,846 alleles (0.000062%); highest among the groups gnomAD compares: Non-Finnish European, 0.000085%; no homozygotes.

Submission:

Women's Health and Genetics/Laboratory Corporation of America, LabCorp
Classification: Pathogenic for Severe combined immunodeficiency disease. Last evaluated: 2026-04-02. Review status: criteria provided, single submitter. Criteria: LabCorp Variant Classification Summary - May 2015. Collection method: clinical testing. Allele origin: germline.
Comment: Variant summary: PGM3 c.391C>T (p.Gln131X) results in a premature termination codon, predicted to cause a truncation of the encoded protein or absence of the protein due to nonsense mediated decay, which are commonly known mechanisms for disease. The variant was absent in 251442 control chromosomes. To our knowledge, no occurrence of c.391C>T in individuals affected with PGM3-related conditions and no experimental evidence demonstrating its impact on protein function have been reported. No submitters have cited clinical-significance assessments for this variant to ClinVar. Based on the evidence outlined above, the variant was classified as pathogenic.

NM_015599.3(PGM3):c.307C>T (p.Gln103Ter)

Gene: PGM3 (phosphoglucomutase 3; minus strand). Cytogenetic location: 6q14.1.
Variant type: single nucleotide variant.
Coding change: c.307C>T on transcript NM_015599.3 (MANE Select); coding-DNA position 307, C replaced by T.
Protein change: p.Gln103Ter; replaces glutamine 103 with a stop codon.
Molecular consequence: nonsense. On other transcripts: non-coding transcript variant (1).
Genome position (GRCh38, 1-based): chr6:83,188,696, G>A on the plus strand (C>T on the coding strand, the complement: PGM3 is on the minus strand). VCF-style: chr6-83188696-G-A. GRCh37 (hg19) VCF-style: chr6-83898415-G-A.
Other names: c.391C>T, p.Gln131Ter (NM_001199917.2, NM_001367287.1); c.64C>T, p.Gln22Ter (NM_001199918.2); c.307C>T, p.Gln103Ter (NM_001199919.2, NM_001367286.1); short protein forms Q103*, Q131*, Q22*.
Identifiers: ClinVar variation 4848958 (VCV004848958.1).
Genomic context (GRCh38, chr6:83,188,696, plus strand): 5'-CAAAGGCATCTTGTTGCAGATTCACAGCTTCTTTCTCGCTGATGTCAATAAGCACTCTCT[G>A]CATATCTTGTTCCTCAGCATTTGCTAAACAGGTGGCATGTTCCTCCCAGGATGGTGCCAA-3'